The following is an entry in ClinVar:

NM_001458.5(FLNC):c.6292G>A (p.Val2098Ile)

Genes: FLNC (filamin C; plus strand), FLNC-AS1 (FLNC antisense RNA 1; minus strand). Cytogenetic location: 7q32.1.
Variant type: single nucleotide variant.
Coding change: c.6292G>A on transcript NM_001458.5 (MANE Select); coding-DNA position 6292, G replaced by A.
Protein change: p.Val2098Ile; replaces valine 2098 with isoleucine.
Molecular consequence: missense variant.
Genome position (GRCh38, 1-based): chr7:128,853,552, G>A. VCF-style: chr7-128853552-G-A. GRCh37 (hg19) VCF-style: chr7-128493606-G-A.
Other names: c.6193G>A, p.Val2065Ile (NM_001127487.2); short protein forms V2098I, V2065I.
Identifiers: ClinVar variation 1431300 (VCV001431300.8), dbSNP rs2128939110, ClinGen allele CA369212057.

ClinVar aggregate classification (germline): Uncertain significance (1 of 4 stars; one submission).

Conditions:
Myofibrillar myopathy 5. Also called: FILAMINOPATHY, AUTOSOMAL DOMINANT; Filaminopathy (type). Identifiers: Orphanet 171445, MedGen C1836050, MONDO:0012289, OMIM 609524.
Hypertrophic cardiomyopathy 26. Also called: Cardiomyopathy, familial hypertrophic, 26. Identifiers: Orphanet 75249, MedGen C4310749, MONDO:0014883, OMIM 617047.
Distal myopathy with posterior leg and anterior hand involvement. Also called: WILLIAMS DISTAL MYOPATHY. Identifiers: Orphanet 63273, MedGen C3279722, MONDO:0013550, OMIM 614065.

Submission:

Labcorp Genetics (formerly Invitae), Labcorp
Classification: Uncertain significance for Distal myopathy with posterior leg and anterior hand involvement; Myofibrillar myopathy 5; Hypertrophic cardiomyopathy 26. Last evaluated: 2021-06-02. Review status: criteria provided, single submitter. Criteria: Invitae Variant Classification Sherloc (09022015). Collection method: clinical testing. Allele origin: germline.
Comment: This sequence change replaces valine with isoleucine at codon 2098 of the FLNC protein (p.Val2098Ile). The valine residue is highly conserved and there is a small physicochemical difference between valine and isoleucine. This variant is not present in population databases (ExAC no frequency). This variant has not been reported in the literature in individuals with FLNC-related conditions. Algorithms developed to predict the effect of missense changes on protein structure and function are either unavailable or do not agree on the potential impact of this missense change (SIFT: "Deleterious"; PolyPhen-2: "Probably Damaging"; Align-GVGD: "Class C0"). In summary, the available evidence is currently insufficient to determine the role of this variant in disease. Therefore, it has been classified as a Variant of Uncertain Significance.